The following is an entry in ClinVar:

ClinVar aggregate classification (germline): Uncertain significance (1 of 4 stars; one submission).

Submission:

GeneDx
Classification: Uncertain significance. Last evaluated: 2024-07-01. Review status: criteria provided, single submitter. Criteria: GeneDx Variant Classification Process June 2021. Collection method: clinical testing. Allele origin: germline. Affected: yes.
Comment: Not observed at significant frequency in large population cohorts (gnomAD); In silico analysis supports that this missense variant has a deleterious effect on protein structure/function; Has not been previously published as pathogenic or benign to our knowledge

NM_002074.5(GNB1):c.989G>C (p.Gly330Ala)

Gene: GNB1 (G protein subunit beta 1; minus strand). Cytogenetic location: 1p36.33.
Variant type: single nucleotide variant.
Coding change: c.989G>C on transcript NM_002074.5 (MANE Select); coding-DNA position 989, G replaced by C.
Protein change: p.Gly330Ala; replaces glycine 330 with alanine.
Molecular consequence: missense variant.
Genome position (GRCh38, 1-based): chr1:1,787,365, C>G on the plus strand (G>C on the coding strand, the complement: GNB1 is on the minus strand). VCF-style: chr1-1787365-C-G. GRCh37 (hg19) VCF-style: chr1-1718804-C-G.
Other names: c.689G>C, p.Gly230Ala (NM_001282538.2); c.989G>C, p.Gly330Ala (NM_001282539.2); short protein forms G330A, G230A.
Identifiers: ClinVar variation 3393581 (VCV003393581.1).
Genomic context (GRCh38, chr1:1,787,365, plus strand): 5'-TTGGGCTGCTGCATTACCTACTGGCGTTAGTTCCAGATCTTGAGGAAGCTATCCCAGGAC[C>G]CTGTCGCCACAGCCATGCCATCGTCAGTCACGCCCAGGCAGCTGACGCGGTTGTCATGCC-3'
Protein context (NP_002065.1, residues 320-340): VTDDGMAVAT[Gly330Ala]SWDSFLKIWN